The following is an entry in ClinVar:

ClinVar aggregate classification (germline): Likely benign. Review status: criteria provided, single submitter (1 of 4 stars). 2 submissions from 2 submitters: Likely benign (1). 1 of the submissions does not count toward it. Last evaluated 2025-12-13.

Allele frequency attached by ClinVar (database versions not stated): TOPMed 0.00034; gnomAD 0.00035; gnomAD exomes 0.00036; ExAC 0.00044.
gnomAD v4.1: 239 of 1,613,672 alleles (0.015%); highest among the groups gnomAD compares: East Asian, 0.48%; 1 homozygote.

Submissions (2):

Labcorp Genetics (formerly Invitae), Labcorp
Classification: Likely benign. Last evaluated: 2025-12-13. Review status: criteria provided, single submitter. Criteria: Invitae Variant Classification Sherloc (09022015). Collection method: clinical testing. Allele origin: germline.

Department of Pathology and Laboratory Medicine, Sinai Health System
Classification: Uncertain significance. Review status: no assertion criteria provided. Collection method: clinical testing. Allele origin: unknown. Affected: yes. Study: The Canadian Open Genetics Repository (COGR). Not counted in ClinVar's aggregate classification.
Comment: The CCDC88C p.Asp1459Asn variant was not identified in the literature nor was it identified in ClinVar, Cosmic or LOVD 3.0. The variant was identified in dbSNP (ID: rs78570354) and in control databases in 99 of 278450 chromosomes at a frequency of 0.000356 (Genome Aggregation Database Feb 27, 2017). The variant was observed in the following populations: East Asian in 95 of 19516 chromosomes (freq: 0.004868), African in 3 of 24164 chromosomes (freq: 0.000124) and European (non-Finnish) in 1 of 126370 chromosomes (freq: 0.000008), but not in the Latino, Ashkenazi Jewish, European (Finnish), Other, and South Asian populations. The p.Asp1459 residue is not conserved in mammals and computational analyses (PolyPhen-2, SIFT, AlignGVGD, BLOSUM, MutationTaster) do not suggest a high likelihood of impact to the protein; however, this information is not predictive enough to rule out pathogenicity. The variant occurs outside of the splicing consensus sequence and in silico or computational prediction software programs (SpliceSiteFinder, MaxEntScan, NNSPLICE, GeneSplicer) do not predict a difference in splicing. In summary, based on the above information the clinical significance of this variant cannot be determined with certainty at this time. This variant is classified as a variant of uncertain significance.

NM_001080414.4(CCDC88C):c.4375G>A (p.Asp1459Asn)

Gene: CCDC88C (coiled-coil and HOOK domain protein 88C; minus strand). Cytogenetic location: 14q32.11.
Variant type: single nucleotide variant.
Coding change: c.4375G>A on transcript NM_001080414.4 (MANE Select); coding-DNA position 4375, G replaced by A.
Protein change: p.Asp1459Asn; replaces aspartic acid 1459 with asparagine.
Molecular consequence: missense variant.
Genome position (GRCh38, 1-based): chr14:91,289,171, C>T on the plus strand (G>A on the coding strand, the complement: CCDC88C is on the minus strand). VCF-style: chr14-91289171-C-T. GRCh37 (hg19) VCF-style: chr14-91755515-C-T.
Other names: short protein forms D1459N.
Identifiers: ClinVar variation 761656 (VCV000761656.7), dbSNP rs78570354, ClinGen allele CA7309031.